The following is an entry in ClinVar:

NM_001244008.2(KIF1A):c.4334G>A (p.Arg1445His)

Gene: KIF1A (kinesin family member 1A; minus strand). Cytogenetic location: 2q37.3.
Variant type: single nucleotide variant.
Coding change: c.4334G>A on transcript NM_001244008.2 (MANE Select); coding-DNA position 4334, G replaced by A.
Protein change: p.Arg1445His; replaces arginine 1445 with histidine.
Molecular consequence: missense variant.
Genome position (GRCh38, 1-based): chr2:240,723,543, C>T on the plus strand (G>A on the coding strand, the complement: KIF1A is on the minus strand). VCF-style: chr2-240723543-C-T. GRCh37 (hg19) VCF-style: chr2-241662960-C-T.
Other names: c.4058G>A, p.Arg1353His (NM_001320705.2, NM_001379649.1); c.4085G>A, p.Arg1362His (NM_001330289.2); c.4133G>A, p.Arg1378His (NM_001330290.2, NM_001379648.1); c.4409G>A, p.Arg1470His (NM_001379631.1); c.4310G>A, p.Arg1437His (NM_001379632.1); c.4307G>A, p.Arg1436His (NM_001379633.1, NM_001379645.1); c.4160G>A, p.Arg1387His (NM_001379634.1); c.4157G>A, p.Arg1386His (NM_001379635.1, NM_001379646.1); and 8 more; short protein forms R1344H, R1369H, R1386H, R1387H, R1353H, R1361H, R1382H, R1470H.
Identifiers: ClinVar variation 1384008 (VCV001384008.10), dbSNP rs765877669, ClinGen allele CA2207414.

ClinVar aggregate classification (germline): Conflicting classifications of pathogenicity. Review status: criteria provided, conflicting classifications (1 of 4 stars). 2 submissions from 2 submitters: Uncertain significance (1); Likely benign (1). Last evaluated 2025-08-20.

Conditions:
Hereditary spastic paraplegia 30. Identifiers: Orphanet 101010, MedGen C5235139, MONDO:0012476.
Neuropathy, hereditary sensory, type 2C. Also called: KIF1A-Related HSAN2 (HSAN2C); Hereditary sensory and autonomic neuropathy type IIC. Identifiers: Orphanet 970, MedGen C3280168, MONDO:0013634, OMIM 614213.
Intellectual disability, autosomal dominant 9 (NESCAVS). Also called: NESCAV SYNDROME; KIF1A-Related Neurodevelopmental Disorder. Identifiers: Orphanet 662367, MedGen C5393830, MONDO:0013656, OMIM 614255.

Allele frequency attached by ClinVar (database versions not stated): TOPMed below 0.00001; gnomAD 0.00001; gnomAD exomes 0.00002 and 0.00003.
gnomAD v4.1: 33 of 1,538,002 alleles (0.0021%); highest among the groups gnomAD compares: Admixed American, 0.0039%; no homozygotes.

Submissions (2):

Labcorp Genetics (formerly Invitae), Labcorp
Classification: Likely benign for Hereditary spastic paraplegia 30; Neuropathy, hereditary sensory, type 2C; Intellectual disability, autosomal dominant 9. Last evaluated: 2025-08-20. Review status: criteria provided, single submitter. Criteria: Invitae Variant Classification Sherloc (09022015). Collection method: clinical testing. Allele origin: germline.

GeneDx
Classification: Uncertain significance. Last evaluated: 2025-03-27. Review status: criteria provided, single submitter. Criteria: GeneDx Variant Classification Process June 2021. Collection method: clinical testing. Allele origin: germline.
Comment: Reported in an individual with early onset small fiber neuropathy (PMID: 39000354); In silico analysis supports that this missense variant has a deleterious effect on protein structure/function; This variant is associated with the following publications: (PMID: 39000354)